The following is an entry in ClinVar:

ClinVar aggregate classification (germline): Uncertain significance (1 of 4 stars; one submission).

Conditions:
Sifrim-Hitz-Weiss syndrome (SIHIWES). Also called: CHD4 Neurodevelopmental Disorder; SIFRIM-HITZ-WEISS MULTIPLE CONGENITAL ANOMALIES-MENTAL RETARDATION SYNDROME. Identifiers: Orphanet 653712, MedGen C4310688, MONDO:0014946, OMIM 617159.

gnomAD v4.1: 1 of 1,614,178 alleles (0.000062%); highest among the groups gnomAD compares: Non-Finnish European, 0.000085%; no homozygotes.

Submission:

Victorian Clinical Genetics Services, Murdoch Childrens Research Institute
Classification: Uncertain significance for Sifrim-Hitz-Weiss syndrome. Last evaluated: 2025-01-10. Review status: criteria provided, single submitter. Criteria: ACMG Guidelines, 2015. Collection method: clinical testing. Allele origin: germline. Affected: yes.
Comment: This variant is classified as VUS-3B. Evidence in support of pathogenic classification: Variant is present in gnomAD <0.001 for a dominant condition (v4: 1 heterozygote(s), 0 homozygote(s)) . Additional information: Variant is predicted to result in a missense amino acid change from aspartic acid to asparagine; This variant is heterozygous; This gene is associated with autosomal dominant disease; This variant has no previous evidence of pathogenicity; No published segregation evidence has been identified for this variant; No published functional evidence has been identified for this variant; No comparable missense variants have previous evidence for pathogenicity; Variant is not located in an established domain, motif, hotspot or informative constraint region; Missense variant with inconclusive in silico prediction and uninformative conservation; The mechanism of disease for this gene is not clearly established. The mechanism of disease for Sifrim-Hitz-Weiss syndrome (MIM#617159) is suggested to be dominant negative or gain of function (PMID: 31388190). Protein truncating variants have been reported; however, these cases lack consistent clinical features with the disease mechanism remaining unclear (PMIDs: 31388190, 31474762); Variants in this gene are known to have variable expressivity (OMIM; PMID: 31388190); Inheritance information for this variant is not currently available in this individual.

Literature cited by the submitters: PubMed 31474762; PubMed 31388190.

NM_001273.5(CHD4):c.1276G>A (p.Asp426Asn)

Gene: CHD4 (chromodomain helicase DNA binding protein 4; minus strand). Cytogenetic location: 12p13.31.
Variant type: single nucleotide variant.
Coding change: c.1276G>A on transcript NM_001273.5 (MANE Select); coding-DNA position 1276, G replaced by A.
Protein change: p.Asp426Asn; replaces aspartic acid 426 with asparagine.
Molecular consequence: missense variant.
Genome position (GRCh38, 1-based): chr12:6,599,979, C>T on the plus strand (G>A on the coding strand, the complement: CHD4 is on the minus strand). VCF-style: chr12-6599979-C-T. GRCh37 (hg19) VCF-style: chr12-6709145-C-T.
Other names: c.1255G>A, p.Asp419Asn (NM_001297553.2); c.1237G>A, p.Asp413Asn (NM_001363606.2); short protein forms D413N, D419N, D426N.
Identifiers: ClinVar variation 4531434 (VCV004531434.1).